The following is an entry in ClinVar:

NM_000504.4(F10):c.1269C>A (p.His423Gln)

Genes: F10 (coagulation factor X; plus strand), F10-AS2 (F10 antisense RNA 2; minus strand). Cytogenetic location: 13q34.
Variant type: single nucleotide variant.
Coding change: c.1269C>A on transcript NM_000504.4 (MANE Select); coding-DNA position 1269, C replaced by A.
Protein change: p.His423Gln; replaces histidine 423 with glutamine.
Molecular consequence: missense variant. On other transcripts: 3 prime UTR variant (1).
Genome position (GRCh38, 1-based): chr13:113,149,319, C>A. VCF-style: chr13-113149319-C-A. GRCh37 (hg19) VCF-style: chr13-113803633-C-A.
Other names: c.1137C>A, p.His379Gln (NM_001312674.2); c.*260C>A (NM_001312675.2); short protein forms H379Q, H423Q.
Identifiers: ClinVar variation 4528148 (VCV004528148.1).

ClinVar aggregate classification (germline): Uncertain significance (1 of 4 stars; one submission).

gnomAD v4.1: 3 of 1,613,140 alleles (0.00019%); highest among the groups gnomAD compares: South Asian, 0.0022%; no homozygotes.

Submission:

GeneDx
Classification: Uncertain significance. Last evaluated: 2025-05-07. Review status: criteria provided, single submitter. Criteria: GeneDx Variant Classification Process June 2021. Collection method: clinical testing. Allele origin: germline. Affected: yes.
Comment: Not observed at significant frequency in large population cohorts (gnomAD); In silico analysis supports that this missense variant has a deleterious effect on protein structure/function; This variant is associated with the following publications: (PMID: 32613702)